The following is an entry in ClinVar:

ClinVar aggregate classification (germline): Conflicting classifications of pathogenicity. Review status: criteria provided, conflicting classifications (1 of 4 stars). 5 submissions from 5 submitters: Uncertain significance (4); Likely benign (1). Last evaluated 2024-10-24.

Conditions:
Hypokalemic periodic paralysis, type 1. Also called: HypoPP; Hypokalemic Periodic Paralysis Type 1 (AD). Identifiers: Orphanet 681, MedGen C3714580, MONDO:0042979, OMIM 170400.
Malignant hyperthermia, susceptibility to, 5 (MHS5). Also called: CACNA1S-Related Malignant Hyperthermia Susceptibility. Identifiers: Orphanet 423, MedGen C1866077, MONDO:0011163, OMIM 601887.

Allele frequency attached by ClinVar (database versions not stated): gnomAD 0.00001; gnomAD exomes 0.00001 and 0.00002; TOPMed 0.00001; ExAC 0.00002; 1000 Genomes Project 30x 0.00016.
gnomAD v4.1: 28 of 1,614,254 alleles (0.0017%); highest among the groups gnomAD compares: Middle Eastern, 0.033%; no homozygotes.

Submissions (5):

Blueprint Genetics
Classification: Uncertain significance. Last evaluated: 2024-10-24. Review status: criteria provided, single submitter. Criteria: ACMG Guidelines, 2015. Collection method: clinical testing. Allele origin: germline.

All of Us Research Program, National Institutes of Health
Classification: Uncertain significance for Malignant hyperthermia, susceptibility to, 5. Last evaluated: 2024-08-30. Review status: criteria provided, single submitter. Criteria: ACMG Guidelines, 2015. Collection method: clinical testing. Allele origin: germline. Inheritance: Autosomal dominant inheritance. Observed: 3 variant alleles, 3 heterozygotes.
Comment: This missense variant replaces aspartic acid with asparagine at codon 276 of the CACNA1S protein. Computational prediction suggests that this variant may have deleterious impact on protein structure and function (internally defined REVEL score threshold >= 0.7, PMID: 27666373). To our knowledge, functional studies have not been reported for this variant. This variant has not been reported in individuals affected with CACNA1S-related disorders in the literature. This variant has been identified in 4/282818 chromosomes in the general population by the Genome Aggregation Database (gnomAD). The available evidence is insufficient to determine the role of this variant in disease conclusively. Therefore, this variant is classified as a Variant of Uncertain Significance.

This study involves interpretation of variants in research participants for the purpose of population health screening. Participant phenotype was not available at the time of variant classification. Additional details can be found in publication PMID: 35346344, PMCID: PMC8962531

Color Diagnostics, LLC DBA Color Health
Classification: Uncertain significance for Malignant hyperthermia, susceptibility to, 5. Last evaluated: 2024-07-10. Review status: criteria provided, single submitter. Criteria: ACMG Guidelines, 2015. Collection method: clinical testing. Allele origin: germline.
Comment: This missense variant replaces aspartic acid with asparagine at codon 276 of the CACNA1S protein. Computational prediction suggests that this variant may have deleterious impact on protein structure and function. To our knowledge, functional studies have not been reported for this variant. This variant has not been reported in individuals affected with CACNA1S-related disorders in the literature. This variant has been identified in 4/282818 chromosomes in the general population by the Genome Aggregation Database (gnomAD). The available evidence is insufficient to determine the role of this variant in disease conclusively. Therefore, this variant is classified as a Variant of Uncertain Significance.

Revvity Omics, Revvity
Classification: Uncertain significance. Last evaluated: 2023-07-17. Review status: criteria provided, single submitter. Criteria: ACMG Guidelines, 2015. Collection method: clinical testing. Allele origin: germline.

Labcorp Genetics (formerly Invitae), Labcorp
Classification: Likely benign for Hypokalemic periodic paralysis, type 1; Malignant hyperthermia, susceptibility to, 5. Last evaluated: 2023-02-07. Review status: criteria provided, single submitter. Criteria: Invitae Variant Classification Sherloc (09022015). Collection method: clinical testing. Allele origin: germline.

NM_000069.3(CACNA1S):c.826G>A (p.Asp276Asn)

Gene: CACNA1S (calcium voltage-gated channel subunit alpha1 S; minus strand). Cytogenetic location: 1q32.1.
Variant type: single nucleotide variant.
Coding change: c.826G>A on transcript NM_000069.3 (MANE Select); coding-DNA position 826, G replaced by A.
Protein change: p.Asp276Asn; replaces aspartic acid 276 with asparagine.
Molecular consequence: missense variant.
Genome position (GRCh38, 1-based): chr1:201,089,332, C>T on the plus strand (G>A on the coding strand, the complement: CACNA1S is on the minus strand). VCF-style: chr1-201089332-C-T. GRCh37 (hg19) VCF-style: chr1-201058460-C-T.
Other names: short protein forms D276N.
Identifiers: ClinVar variation 1416248 (VCV001416248.14), dbSNP rs757755172, ClinGen allele CA084010.